The following is an entry in ClinVar:

ClinVar aggregate classification (germline): Likely pathogenic. Review status: criteria provided, single submitter (1 of 4 stars). 2 submissions from 2 submitters: Likely pathogenic (1). 1 of the submissions does not count toward it. Last evaluated 2019-03-07.

Conditions:
SCNN1A-related disorder. Also called: SCNN1A-related disorders; SCNN1A-related condition.

Allele frequency attached by ClinVar (database versions not stated): TOPMed 0.00001.
gnomAD v4.1: 2 of 1,613,742 alleles (0.00012%); highest among the groups gnomAD compares: African/African-American, 0.0027%; no homozygotes.

Submissions (2):

Blueprint Genetics
Classification: Likely pathogenic for SCNN1A-related disorders. Last evaluated: 2019-03-07. Review status: criteria provided, single submitter. Criteria: ACMG Guidelines, 2015. Collection method: clinical testing. Allele origin: germline. Affected: yes. Observed: 1 variant allele.

Department of Pathology and Laboratory Medicine, Sinai Health System
Classification: Likely pathogenic. Review status: no assertion criteria provided. Collection method: clinical testing. Allele origin: unknown. Affected: yes. Study: The Canadian Open Genetics Repository (COGR). Not counted in ClinVar's aggregate classification.
Comment: The SCNN1A c.1616+1G>T variant was not identified in the literature nor was it identified in dbSNP, ClinVar, Cosmic, LOVD 3.0 or in the following control databases: the 1000 Genomes Project, the NHLBI GO Exome Sequencing Project, the Exome Aggregation Consortium (August 8th 2016), or the Genome Aggregation Database (Feb 27, 2017). The c.1616+1G>T variant is predicted to cause abnormal splicing because the nucleotide substitution occurs in the invariant region of the splice consensus sequence. In addition, 4 of 4 in silico or computational prediction software programs (SpliceSiteFinder, MaxEntScan, NNSPLICE, GeneSplicer) predict a greater than 10% difference in splicing and the loss of the canonical 5' splice site. In summary, based on the above information the clinical significance of this variant cannot be determined with certainty at this time although we would lean towards a more pathogenic role for this variant. This variant is classified as likely pathogenic.

NM_001038.6(SCNN1A):c.1439+1G>T

Gene: SCNN1A (sodium channel epithelial 1 subunit alpha; minus strand). Cytogenetic location: 12p13.31.
Variant type: single nucleotide variant.
Coding change: c.1439+1G>T on transcript NM_001038.6 (MANE Select); the canonical splice donor site of the intron after coding-DNA position 1439, G replaced by T.
Molecular consequence: splice donor variant.
Genome position (GRCh38, 1-based): chr12:6,349,326, C>A on the plus strand (G>T on the coding strand, the complement: SCNN1A is on the minus strand). VCF-style: chr12-6349326-C-A. GRCh37 (hg19) VCF-style: chr12-6458492-C-A.
Other names: c.1508+1G>T (NM_001159575.2); c.1616+1G>T (NM_001159576.2).
Identifiers: ClinVar variation 1049528 (VCV001049528.2), dbSNP rs1369791519, ClinGen allele CA383554261.